The following is an entry in ClinVar:

NM_000268.4(NF2):c.1498C>A (p.Leu500Ile)

Gene: NF2 (NF2, moesin-ezrin-radixin like (MERLIN) tumor suppressor; plus strand). Cytogenetic location: 22q12.2.
Variant type: single nucleotide variant.
Coding change: c.1498C>A on transcript NM_000268.4 (MANE Select); coding-DNA position 1498, C replaced by A.
Protein change: p.Leu500Ile; replaces leucine 500 with isoleucine.
Molecular consequence: missense variant. On other transcripts: non-coding transcript variant (1), intron variant (1).
Genome position (GRCh38, 1-based): chr22:29,678,247, C>A. VCF-style: chr22-29678247-C-A. GRCh37 (hg19) VCF-style: chr22-30074236-C-A.
Other names: c.1384C>A, p.Leu462Ile (NM_001407053.1, NM_001407056.1); c.1375C>A, p.Leu459Ile (NM_001407054.1, NM_001407058.1, NM_181829.3); c.1372C>A, p.Leu458Ile (NM_001407055.1, NM_181828.3); c.1363C>A, p.Leu455Ile (NM_001407057.1, NM_001407059.1); c.1498C>A, p.Leu500Ile (NM_001407060.1, NM_001407066.1, NM_016418.5 and 2 more transcripts); c.1240C>A, p.Leu414Ile (NM_001407062.1); c.1249C>A, p.Leu417Ile (NM_001407063.1, NM_001407064.1, NM_181830.3 and 1 more transcripts); c.964C>A, p.Leu322Ile (NM_001407065.1); and 2 more; short protein forms L414I, L500I, L458I, L462I, L322I, L423I, L455I, L417I.
Identifiers: ClinVar variation 3299435 (VCV003299435.1).
Genomic context (GRCh38, chr22:29,678,247, plus strand): 5'-CATTAACAGCCCATGAACCCAATTCCAGCACCGTTGCCTCCTGACATACCAAGCTTCAAC[C>A]TCATTGGTGACAGCCTGTCTTTCGACTTCAAAGATACTGACATGAAGCGGCTTTCCATGG-3'
Protein context (NP_000259.1, residues 490-510): PLPPDIPSFN[Leu500Ile]IGDSLSFDFK

ClinVar aggregate classification (germline): Uncertain significance (1 of 4 stars; one submission).

Conditions:
Hereditary cancer-predisposing syndrome. Also called: Tumor predisposition; Hereditary Cancer Syndrome; Hereditary neoplastic syndrome; Neoplastic Syndromes, Hereditary. Identifiers: Orphanet 140162, MedGen C0027672, MeSH D009386, MONDO:0015356.

Submission:

Ambry Genetics
Classification: Uncertain significance for Hereditary cancer-predisposing syndrome. Last evaluated: 2024-05-15. Review status: criteria provided, single submitter. Criteria: Ambry Variant Classification Scheme 2023. Collection method: clinical testing. Allele origin: germline.
Comment: The p.L500I variant (also known as c.1498C>A), located in coding exon 14 of the NF2 gene, results from a C to A substitution at nucleotide position 1498. The leucine at codon 500 is replaced by isoleucine, an amino acid with highly similar properties. This amino acid position is conserved. In addition, this alteration is predicted to be tolerated by in silico analysis. Based on the available evidence, the clinical significance of this variant remains unclear.